The following is an entry in ClinVar:

ClinVar aggregate classification (germline): Uncertain significance (1 of 4 stars; one submission).

Allele frequency attached by ClinVar (database versions not stated): ExAC 0.00001.
gnomAD v4.1: 13 of 1,614,134 alleles (0.00081%); highest among the groups gnomAD compares: Admixed American, 0.0017%; no homozygotes.

Submission:

Labcorp Genetics (formerly Invitae), Labcorp
Classification: Uncertain significance. Last evaluated: 2022-04-30. Review status: criteria provided, single submitter. Criteria: Invitae Variant Classification Sherloc (09022015). Collection method: clinical testing. Allele origin: germline.
Comment: This sequence change replaces methionine, which is neutral and non-polar, with threonine, which is neutral and polar, at codon 743 of the CDH3 protein (p.Met743Thr). This variant is present in population databases (rs749844279, gnomAD 0.003%). This variant has not been reported in the literature in individuals affected with CDH3-related conditions. Algorithms developed to predict the effect of missense changes on protein structure and function output the following: SIFT: "Not Available"; PolyPhen-2: "Benign"; Align-GVGD: "Not Available". The threonine amino acid residue is found in multiple mammalian species, which suggests that this missense change does not adversely affect protein function. In summary, the available evidence is currently insufficient to determine the role of this variant in disease. Therefore, it has been classified as a Variant of Uncertain Significance.

NM_001793.6(CDH3):c.2228T>C (p.Met743Thr)

Gene: CDH3 (cadherin 3; plus strand). Cytogenetic location: 16q22.1.
Variant type: single nucleotide variant.
Coding change: c.2228T>C on transcript NM_001793.6 (MANE Select); coding-DNA position 2228, T replaced by C.
Protein change: p.Met743Thr; replaces methionine 743 with threonine.
Molecular consequence: missense variant.
Genome position (GRCh38, 1-based): chr16:68,695,871, T>C. VCF-style: chr16-68695871-T-C. GRCh37 (hg19) VCF-style: chr16-68729774-T-C.
Other names: c.2228T>C, p.Met743Thr (NM_001317195.3); c.2063T>C, p.Met688Thr (NM_001317196.2); short protein forms M688T, M743T.
Identifiers: ClinVar variation 1500551 (VCV001500551.3), dbSNP rs749844279, ClinGen allele CA8129625.
Genomic context (GRCh38, chr16:68,695,871, plus strand): 5'-AGGCCAGGCCGGAGGTGGTTCTCCGCAATGACGTGGCACCAACCATCATCCCGACACCCA[T>C]GTACCGTCCTCGGCCAGCCAACCCAGATGAAATCGGCAACTTTATAATTGAGGTGAGGCG-3'
Protein context (NP_001784.2, residues 733-753): DVAPTIIPTP[Met743Thr]YRPRPANPDE